The following is an entry in ClinVar:

ClinVar aggregate classification (germline): Uncertain significance (1 of 4 stars; one submission).

Submission:

Ambry Genetics
Classification: Uncertain significance. Last evaluated: 2025-03-07. Review status: criteria provided, single submitter. Criteria: Ambry Variant Classification Scheme 2023. Collection method: clinical testing. Allele origin: germline.
Comment: The p.K11T variant (also known as c.32A>C), located in coding exon 1 of the CDK12 gene, results from an A to C substitution at nucleotide position 32. The lysine at codon 11 is replaced by threonine, an amino acid with similar properties. This amino acid position is conserved. In addition, the in silico prediction for this alteration is inconclusive. Based on the available evidence, the clinical significance of this variant remains unclear.

NM_016507.4(CDK12):c.32A>C (p.Lys11Thr)

Genes: CDK12 (cyclin dependent kinase 12; plus strand), LOC126862553 (CDK7 strongly-dependent group 2 enhancer GRCh37_chr17:37618166-37619365; plus strand). Cytogenetic location: 17q12.
Variant type: single nucleotide variant.
Coding change: c.32A>C on transcript NM_016507.4 (MANE Select); coding-DNA position 32, A replaced by C.
Protein change: p.Lys11Thr; replaces lysine 11 with threonine.
Molecular consequence: missense variant.
Genome position (GRCh38, 1-based): chr17:39,462,103, A>C. VCF-style: chr17-39462103-A-C. GRCh37 (hg19) VCF-style: chr17-37618356-A-C.
Other names: c.32A>C, p.Lys11Thr (NM_015083.4); short protein forms K11T.
Identifiers: ClinVar variation 3830765 (VCV003830765.1).